The following is an entry in ClinVar:

NM_000400.4(ERCC2):c.1952T>G (p.Phe651Cys)

Gene: ERCC2 (ERCC excision repair 2, TFIIH core complex helicase subunit; minus strand). Cytogenetic location: 19q13.32.
Variant type: single nucleotide variant.
Coding change: c.1952T>G on transcript NM_000400.4 (MANE Select); coding-DNA position 1952, T replaced by G.
Protein change: p.Phe651Cys; replaces phenylalanine 651 with cysteine.
Molecular consequence: missense variant.
Genome position (GRCh38, 1-based): chr19:45,352,600, A>C on the plus strand (T>G on the coding strand, the complement: ERCC2 is on the minus strand). VCF-style: chr19-45352600-A-C. GRCh37 (hg19) VCF-style: chr19-45855858-A-C.
Other names: short protein forms F651C.
Identifiers: ClinVar variation 1783261 (VCV001783261.2), dbSNP rs2513999487, ClinGen allele CA406363337.

ClinVar aggregate classification (germline): Uncertain significance (1 of 4 stars; one submission).

Conditions:
Inborn genetic diseases. Identifiers: MedGen C0950123, MeSH D030342.

Submission:

Ambry Genetics
Classification: Uncertain significance for Inborn genetic diseases. Last evaluated: 2022-01-31. Review status: criteria provided, single submitter. Criteria: Ambry Variant Classification Scheme 2023. Collection method: clinical testing. Allele origin: germline.
Comment: The p.F651C variant (also known as c.1952T>G), located in coding exon 21 of the ERCC2 gene, results from a T to G substitution at nucleotide position 1952. The phenylalanine at codon 651 is replaced by cysteine, an amino acid with highly dissimilar properties. This amino acid position is conserved. In addition, this alteration is predicted to be deleterious by in silico analysis. Since supporting evidence is limited at this time, the clinical significance of this alteration remains unclear.